The following is an entry in ClinVar:

ClinVar aggregate classification (germline): Pathogenic (1 of 4 stars; one submission).

Conditions:
Familial adenomatous polyposis 1 (FAP1). Also called: FAMILIAL ADENOMATOUS POLYPOSIS 1, ATTENUATED; POLYPOSIS, ADENOMATOUS INTESTINAL. Identifiers: MedGen C2713442, MONDO:0021056, OMIM 175100. Disease mechanism: loss of function.

Submission:

Labcorp Genetics (formerly Invitae), Labcorp
Classification: Pathogenic for Familial adenomatous polyposis 1. Last evaluated: 2023-05-10. Review status: criteria provided, single submitter. Criteria: Invitae Variant Classification Sherloc (09022015). Collection method: clinical testing. Allele origin: germline.
Comment: This variant is expected to disrupt the EB1 and HDLG binding sites, which mediate interactions with the cytoskeleton (PMID: 15311282, 17293347). While functional studies have not been performed to directly test the effect on APC protein function, this suggests that disruption of the C-terminal portion of the protein is functionally important. This variant has not been reported in the literature in individuals affected with APC-related conditions. This sequence change creates a premature translational stop signal (p.Ile1926Tyrfs*44) in the APC gene. While this is not anticipated to result in nonsense mediated decay, it is expected to disrupt the last 918 amino acid(s) of the APC protein. This variant is not present in population databases (gnomAD no frequency). A different truncation (p.Tyr2645Lysfs*14) that lies downstream of this variant has been determined to be pathogenic (PMID: 9824584, 1316610, 27081525, 8381579, 22135120, Invitae). This suggests that deletion of this region of the APC protein is causative of disease. For these reasons, this variant has been classified as Pathogenic.

Literature cited by the submitters: PubMed 15311282; PubMed 17293347; PubMed 9824584; PubMed 1316610; PubMed 27081525; PubMed 8381579; PubMed 22135120.

NM_000038.6(APC):c.5775del (p.Ile1926fs)

Gene: APC (APC regulator of Wnt signaling pathway; plus strand). Cytogenetic location: 5q22.2.
Variant type: Deletion.
Coding change: c.5775del on transcript NM_000038.6 (MANE Select); coding-DNA position 5775, one base deleted (C; older notation c.5775delC).
Protein change: p.Ile1926fs; shifts the reading frame from isoleucine 1926.
Molecular consequence: frameshift variant. On other transcripts: non-coding transcript variant (2).
Genome position (GRCh38, 1-based): chr5:112,841,369, C deleted; the last of 3 consecutive C bases (chr5:112,841,367-112,841,369); deleting any one gives the same sequence. VCF-style (leftmost placement, unchanged base first): chr5-112841366-AC-A. GRCh37 (hg19) VCF-style: chr5-112177063-AC-A.
Other names: c.5775del, p.Ile1926fs (NM_001127510.3, NM_001354895.2, NM_001407450.1); c.5721del, p.Ile1908fs (NM_001127511.3); c.5829del, p.Ile1944fs (NM_001354896.2, NM_001407447.1, NM_001407448.1 and 1 more transcripts); c.5805del, p.Ile1936fs (NM_001354897.2); c.5700del, p.Ile1901fs (NM_001354898.2); c.5691del, p.Ile1898fs (NM_001354899.2); c.5652del, p.Ile1885fs (NM_001354900.2); c.5598del, p.Ile1867fs (NM_001354901.2, NM_001407453.1); and 11 more; short protein forms I1542fs, I1766fs, I1885fs, I1954fs, I1835fs, I1901fs, I1908fs, I1916fs.
Identifiers: ClinVar variation 2863034 (VCV002863034.3), dbSNP rs2533666080, ClinGen allele CA2739272571.